The following is an entry in ClinVar:

ClinVar aggregate classification (germline): Uncertain significance (1 of 4 stars; one submission).

Conditions:
Hereditary cancer-predisposing syndrome. Also called: Tumor predisposition; Neoplastic Syndromes, Hereditary; Hereditary neoplastic syndrome; Hereditary Cancer Syndrome. Identifiers: Orphanet 140162, MedGen C0027672, MeSH D009386, MONDO:0015356.

Submission:

Ambry Genetics
Classification: Uncertain significance for Hereditary cancer-predisposing syndrome. Last evaluated: 2025-08-27. Review status: criteria provided, single submitter. Criteria: Ambry Variant Classification Scheme 2023. Collection method: clinical testing. Allele origin: germline.
Comment: The p.V90A variant (also known as c.269T>C), located in coding exon 3 of the MUTYH gene, results from a T to C substitution at nucleotide position 269. The valine at codon 90 is replaced by alanine, an amino acid with similar properties. This amino acid position is conserved. In addition, this alteration is predicted to be tolerated by in silico analysis. Based on the available evidence, the clinical significance of this variant remains unclear.

NM_001048174.2(MUTYH):c.185T>C (p.Val62Ala)

Gene: MUTYH (mutY DNA glycosylase; minus strand). Cytogenetic location: 1p34.1.
Variant type: single nucleotide variant.
Coding change: c.185T>C on transcript NM_001048174.2 (MANE Select); coding-DNA position 185, T replaced by C.
Protein change: p.Val62Ala; replaces valine 62 with alanine.
Molecular consequence: missense variant. On other transcripts: 5 prime UTR variant (6), non-coding transcript variant (7).
Genome position (GRCh38, 1-based): chr1:45,333,492, A>G on the plus strand (T>C on the coding strand, the complement: MUTYH is on the minus strand). VCF-style: chr1-45333492-A-G. GRCh37 (hg19) VCF-style: chr1-45799164-A-G.
Other names: c.185T>C, p.Val62Ala (NM_001048171.2, NM_001407070.1, NM_001407072.1 and 6 more transcripts); c.-87T>C (NM_001350651.2, NM_001350650.2, NM_001407082.1); c.260T>C, p.Val87Ala (NM_001407069.1, NM_012222.3); c.188T>C, p.Val63Ala (NM_001407071.1, NM_001407078.1, NM_001048172.2 and 2 more transcripts); c.227T>C, p.Val76Ala (NM_001407073.1, NM_001407083.1, NM_001407085.1); c.101T>C, p.Val34Ala (NM_001407075.1); c.218T>C, p.Val73Ala (NM_001407077.1, NM_001293191.2); c.269T>C, p.Val90Ala (NM_001128425.2); and 3 more; short protein forms V34A, V69A, V62A, V63A, V73A, V76A, V77A, V90A.
Identifiers: ClinVar variation 4112856 (VCV004112856.1).